The following is an entry in ClinVar:

ClinVar aggregate classification (germline): Uncertain significance (1 of 4 stars; one submission).

Conditions:
Developmental and epileptic encephalopathy. Identifiers: MedGen C5779964, MONDO:0100620.

Allele frequency attached by ClinVar (database versions not stated): gnomAD exomes below 0.00001 and 0.00001; TOPMed below 0.00001; ExAC 0.00001; gnomAD 0.00001.
gnomAD v4.1: 4 of 1,614,084 alleles (0.00025%); highest among the groups gnomAD compares: Non-Finnish European, 0.00034%; no homozygotes.

Submission:

Labcorp Genetics (formerly Invitae), Labcorp
Classification: Uncertain significance for Early-infantile DEE. Last evaluated: 2021-10-09. Review status: criteria provided, single submitter. Criteria: Invitae Variant Classification Sherloc (09022015). Collection method: clinical testing. Allele origin: germline.
Comment: This sequence change replaces isoleucine with valine at codon 183 of the ST3GAL3 protein (p.Ile183Val). The isoleucine residue is moderately conserved and there is a small physicochemical difference between isoleucine and valine. This variant is present in population databases (rs746370446, ExAC 0.001%). This variant has not been reported in the literature in individuals affected with ST3GAL3-related conditions. Algorithms developed to predict the effect of missense changes on protein structure and function (SIFT, PolyPhen-2, Align-GVGD) all suggest that this variant is likely to be tolerated. In summary, the available evidence is currently insufficient to determine the role of this variant in disease. Therefore, it has been classified as a Variant of Uncertain Significance.

NM_006279.5(ST3GAL3):c.547A>G (p.Ile183Val)

Gene: ST3GAL3 (ST3 beta-galactoside alpha-2,3-sialyltransferase 3; plus strand). Cytogenetic location: 1p34.1.
Variant type: single nucleotide variant.
Coding change: c.547A>G on transcript NM_006279.5 (MANE Select); coding-DNA position 547, A replaced by G.
Protein change: p.Ile183Val; replaces isoleucine 183 with valine.
Molecular consequence: missense variant. On other transcripts: non-coding transcript variant (7), intron variant (4).
Genome position (GRCh38, 1-based): chr1:43,899,253, A>G. VCF-style: chr1-43899253-A-G. GRCh37 (hg19) VCF-style: chr1-44364925-A-G.
Other names: c.547A>G, p.Ile183Val (NM_001270459.2, NM_001350620.2, NM_174966.4); c.454A>G, p.Ile152Val (NM_001270460.2); c.499A>G, p.Ile167Val (NM_001270461.3, NM_001270464.3, NM_174969.4); c.406A>G, p.Ile136Val (NM_001270462.3); c.544A>G, p.Ile182Val (NM_001270463.3, NM_001270465.3); c.592A>G, p.Ile198Val (NM_001350619.2, NM_174964.4); c.268A>G, p.Ile90Val (NM_001350621.2); c.709A>G, p.Ile237Val (NM_001363573.2, NM_174968.5); and 6 more; short protein forms I182V, I183V, I237V, I167V, I198V, I252V, I90V, I221V.
Identifiers: ClinVar variation 1425572 (VCV001425572.4), dbSNP rs746370446, ClinGen allele CA814733.